The following is an entry in ClinVar:

ClinVar aggregate classification (germline): Likely benign. Review status: criteria provided, multiple submitters, no conflicts (2 of 4 stars). 6 submissions from 6 submitters: Likely benign (6). Last evaluated 2025-11-19.

Conditions:
Primary ciliary dyskinesia 7. Also called: CILIARY DYSKINESIA, PRIMARY, 7, WITH OR WITHOUT SITUS INVERSUS. Identifiers: Orphanet 244, MedGen C2678473, MONDO:0012748, OMIM 611884.
Primary ciliary dyskinesia. Also called: Ciliary dyskinesia. Identifiers: Orphanet 244, MedGen C0008780, MONDO:0016575, HP:0012265.

Allele frequency attached by ClinVar (database versions not stated): gnomAD exomes 0.00009 and 0.00011; ExAC 0.00015; gnomAD 0.00026 and 0.00027; TOPMed 0.00041; 1000 Genomes Project 0.00060; 1000 Genomes Project 30x 0.00062.
gnomAD v4.1: 182 of 1,612,430 alleles (0.011%); highest among the groups gnomAD compares: Middle Eastern, 0.68%; no homozygotes.

Submissions (6):

Labcorp Genetics (formerly Invitae), Labcorp
Classification: Likely benign for Primary ciliary dyskinesia. Last evaluated: 2025-11-19. Review status: criteria provided, single submitter. Criteria: Invitae Variant Classification Sherloc (09022015). Collection method: clinical testing. Allele origin: germline.

Blueprint Genetics
Classification: Likely benign. Last evaluated: 2024-11-14. Review status: criteria provided, single submitter. Criteria: ACMG Guidelines, 2015. Collection method: clinical testing. Allele origin: germline.

CeGaT Center for Human Genetics Tuebingen
Classification: Likely benign. Last evaluated: 2022-11-01. Review status: criteria provided, single submitter. Criteria: CeGaT Center For Human Genetics Tuebingen Variant Classification Criteria Version 2. Collection method: clinical testing. Allele origin: germline. Affected: yes. Observed: 1 variant allele.
Comment: DNAH11: BP4, BP7

Fulgent Genetics
Classification: Likely benign for Primary ciliary dyskinesia 7. Last evaluated: 2022-05-19. Review status: criteria provided, single submitter. Criteria: ACMG Guidelines, 2015. Collection method: clinical testing. Allele origin: unknown.

Ambry Genetics
Classification: Likely benign for Primary ciliary dyskinesia. Last evaluated: 2016-05-20. Review status: criteria provided, single submitter. Criteria: Ambry Variant Classification Scheme 2023. Collection method: clinical testing. Allele origin: germline.

Breakthrough Genomics
Classification: Likely benign. Review status: criteria provided, single submitter. Criteria: ACMG Guidelines, 2015. Collection method: not provided. Allele origin: germline. Inheritance: Autosomal recessive inheritance. Affected: yes.

NM_001277115.2(DNAH11):c.6264C>T (p.Pro2088=)

Gene: DNAH11 (dynein axonemal heavy chain 11; plus strand). Cytogenetic location: 7p15.3.
Variant type: single nucleotide variant.
Coding change: c.6264C>T on transcript NM_001277115.2 (MANE Select); coding-DNA position 6264, C replaced by T.
Protein change: p.Pro2088=; no amino-acid change (proline 2088 retained).
Molecular consequence: synonymous variant.
Genome position (GRCh38, 1-based): chr7:21,702,793, C>T. VCF-style: chr7-21702793-C-T. GRCh37 (hg19) VCF-style: chr7-21742411-C-T.
Identifiers: ClinVar variation 695622 (VCV000695622.39), dbSNP rs187936691, ClinGen allele CA4180746.